The following is an entry in ClinVar:

ClinVar aggregate classification (germline): Benign/Likely benign. Review status: criteria provided, multiple submitters, no conflicts (2 of 4 stars). 5 submissions from 5 submitters: Benign (4); Likely benign (1). Last evaluated 2026-02-04.

Allele frequency attached by ClinVar (database versions not stated): 1000 Genomes Project 0.11122; 1000 Genomes Project 30x 0.11352; TOPMed 0.16706; gnomAD 0.17077 and 0.17216; ExAC 0.18805; gnomAD exomes 0.18901 and 0.23328; ESP Exome Variant Server 0.18966.
gnomAD v4.1: 366,375 of 1,612,900 alleles (23%); highest among the groups gnomAD compares: Middle Eastern, 27%; 46,327 homozygotes.

Submissions (5):

Labcorp Genetics (formerly Invitae), Labcorp
Classification: Benign. Last evaluated: 2026-02-04. Review status: criteria provided, single submitter. Criteria: Invitae Variant Classification Sherloc (09022015). Collection method: clinical testing. Allele origin: germline.

Blueprint Genetics
Classification: Likely benign. Last evaluated: 2024-11-27. Review status: criteria provided, single submitter. Criteria: ACMG Guidelines, 2015. Collection method: clinical testing. Allele origin: germline.

Women's Health and Genetics/Laboratory Corporation of America, LabCorp
Classification: Benign. Last evaluated: 2017-07-07. Review status: criteria provided, single submitter. Criteria: LabCorp Variant Classification Summary - May 2015. Collection method: clinical testing. Allele origin: germline.
Comment: Variant summary: The A2ML1 c.2909G>A (p.Cys970Tyr) variant involves the alteration of a conserved nucleotide. 2/2 in silico tools predict damaging outcome for this variant. This variant was found in 22709/120760 control chromosomes (2678 homozygotes) at a frequency of 0.1880507, which is approximately 47013 times the estimated maximal expected allele frequency of a pathogenic A2ML1 variant (0.000004), thus it is a benign common polymorphism. One clinical diagnostic laboratory (via ClinVar) has classified this variant as benign. It has also been reported as a non-pathogenic variant in literature (Vissers_2015). Taken together, this variant is classified as benign.

GeneDx
Classification: Benign. Last evaluated: 2016-09-29. Review status: criteria provided, single submitter. Criteria: GeneDx Variant Classification (06012015). Collection method: clinical testing. Allele origin: germline. Affected: yes.
Comment: This variant is considered likely benign or benign based on one or more of the following criteria: it is a conservative change, it occurs at a poorly conserved position in the protein, it is predicted to be benign by multiple in silico algorithms, and/or has population frequency not consistent with disease.

Breakthrough Genomics
Classification: Benign. Review status: criteria provided, single submitter. Criteria: ACMG Guidelines, 2015. Collection method: not provided. Allele origin: germline. Inheritance: Autosomal dominant inheritance. Affected: yes.

NM_144670.6(A2ML1):c.2909G>A (p.Cys970Tyr)

Gene: A2ML1 (alpha-2-macroglobulin like 1; plus strand). Cytogenetic location: 12p13.31.
Variant type: single nucleotide variant.
Coding change: c.2909G>A on transcript NM_144670.6 (MANE Select); coding-DNA position 2909, G replaced by A.
Protein change: p.Cys970Tyr; replaces cysteine 970 with tyrosine.
Molecular consequence: missense variant.
Genome position (GRCh38, 1-based): chr12:8,857,224, G>A. VCF-style: chr12-8857224-G-A. GRCh37 (hg19) VCF-style: chr12-9009820-G-A.
Other names: c.1436G>A, p.Cys479Tyr (NM_001282424.3); short protein forms C970Y, C479Y.
Identifiers: ClinVar variation 384673 (VCV000384673.12), dbSNP rs1558526, ClinGen allele CA6436197.